The following is an entry in ClinVar:

ClinVar aggregate classification (germline): Uncertain significance. Review status: criteria provided, multiple submitters, no conflicts (2 of 4 stars). 2 submissions from 2 submitters: Uncertain significance (2). Last evaluated 2025-10-07.

Conditions:
Inborn genetic diseases. Identifiers: MedGen C0950123, MeSH D030342.

gnomAD v4.1: 1 of 1,613,162 alleles (0.000062%); no homozygotes.

Submissions (2):

Ambry Genetics
Classification: Uncertain significance for Inborn genetic diseases. Last evaluated: 2025-10-07. Review status: criteria provided, single submitter. Criteria: Ambry Variant Classification Scheme 2023. Collection method: clinical testing. Allele origin: germline.

GeneDx
Classification: Uncertain significance. Last evaluated: 2022-03-07. Review status: criteria provided, single submitter. Criteria: GeneDx Variant Classification Process June 2021. Collection method: clinical testing. Allele origin: germline. Affected: yes.
Comment: Not observed at significant frequency in large population cohorts (gnomAD); In silico analysis supports that this missense variant does not alter protein structure/function; Has not been previously published as pathogenic or benign to our knowledge

NM_013275.6(ANKRD11):c.586G>A (p.Val196Ile)

Gene: ANKRD11 (ankyrin repeat domain 11; minus strand). Cytogenetic location: 16q24.3.
Variant type: single nucleotide variant.
Coding change: c.586G>A on transcript NM_013275.6 (MANE Select); coding-DNA position 586, G replaced by A.
Protein change: p.Val196Ile; replaces valine 196 with isoleucine.
Molecular consequence: missense variant. On other transcripts: non-coding transcript variant (1).
Genome position (GRCh38, 1-based): chr16:89,290,640, C>T on the plus strand (G>A on the coding strand, the complement: ANKRD11 is on the minus strand). VCF-style: chr16-89290640-C-T. GRCh37 (hg19) VCF-style: chr16-89357048-C-T.
Other names: c.586G>A, p.Val196Ile (NM_001256182.2, NM_001256183.2); c.586G>A (NM_013275.4); short protein forms V196I.
Identifiers: ClinVar variation 1704820 (VCV001704820.3), dbSNP rs2544305478, ClinGen allele CA397167136.